The following is an entry in ClinVar:

ClinVar aggregate classification (germline): Uncertain significance (1 of 4 stars; one submission).

Allele frequency attached by ClinVar (database versions not stated): TOPMed below 0.00001.
gnomAD v4.1: 2 of 1,609,970 alleles (0.00012%); highest among the groups gnomAD compares: Non-Finnish European, 0.000085%; no homozygotes.

Submission:

Labcorp Genetics (formerly Invitae), Labcorp
Classification: Uncertain significance. Last evaluated: 2021-05-28. Review status: criteria provided, single submitter. Criteria: Invitae Variant Classification Sherloc (09022015). Collection method: clinical testing. Allele origin: germline.
Comment: This variant has not been reported in the literature in individuals with SLC22A12-related conditions. This sequence change replaces proline with serine at codon 268 of the SLC22A12 protein (p.Pro268Ser). The proline residue is moderately conserved and there is a moderate physicochemical difference between proline and serine. This variant is not present in population databases (ExAC no frequency). Algorithms developed to predict the effect of missense changes on protein structure and function are either unavailable or do not agree on the potential impact of this missense change (SIFT: "Tolerated"; PolyPhen-2: "Probably Damaging"; Align-GVGD: "Class C0"). In summary, the available evidence is currently insufficient to determine the role of this variant in disease. Therefore, it has been classified as a Variant of Uncertain Significance.

NM_144585.4(SLC22A12):c.802C>T (p.Pro268Ser)

Gene: SLC22A12 (solute carrier family 22 member 12; plus strand). Cytogenetic location: 11q13.1.
Variant type: single nucleotide variant.
Coding change: c.802C>T on transcript NM_144585.4 (MANE Select); coding-DNA position 802, C replaced by T.
Protein change: p.Pro268Ser; replaces proline 268 with serine.
Molecular consequence: missense variant. On other transcripts: intron variant (1).
Genome position (GRCh38, 1-based): chr11:64,593,775, C>T. VCF-style: chr11-64593775-C-T. GRCh37 (hg19) VCF-style: chr11-64361247-C-T.
Other names: c.700C>T, p.Pro234Ser (NM_001276326.2); c.139C>T, p.Pro47Ser (NM_153378.3); c.506+893C>T (NM_001276327.2); short protein forms P234S, P47S, P268S.
Identifiers: ClinVar variation 1468772 (VCV001468772.8), dbSNP rs1482380652, ClinGen allele CA381122019.